The following is an entry in ClinVar:

NM_016366.3(CABP2):c.60C>G (p.Leu20=)

Gene: CABP2 (calcium binding protein 2; minus strand). Cytogenetic location: 11q13.2.
Variant type: single nucleotide variant.
Coding change: c.60C>G on transcript NM_016366.3 (MANE Select); coding-DNA position 60, C replaced by G.
Protein change: p.Leu20=; no amino-acid change (leucine 20 retained).
Molecular consequence: synonymous variant. On other transcripts: missense variant (1).
Genome position (GRCh38, 1-based): chr11:67,522,699, G>C on the plus strand (C>G on the coding strand, the complement: CABP2 is on the minus strand). VCF-style: chr11-67522699-G-C. GRCh37 (hg19) VCF-style: chr11-67290170-G-C.
Other names: c.74C>G, p.Ser25Trp (NM_001318496.2); short protein forms S25W.
Identifiers: ClinVar variation 667073 (VCV000667073.8), dbSNP rs950724245, ClinGen allele CA475384108.

ClinVar aggregate classification (germline): Likely benign. Review status: criteria provided, multiple submitters, no conflicts (2 of 4 stars). 2 submissions from 2 submitters: Likely benign (2). Last evaluated 2022-06-08.

gnomAD v4.1: 7 of 1,509,114 alleles (0.00046%); highest among the groups gnomAD compares: Admixed American, 0.013%; no homozygotes.

Submissions (2):

Labcorp Genetics (formerly Invitae), Labcorp
Classification: Likely benign. Last evaluated: 2022-06-08. Review status: criteria provided, single submitter. Criteria: Invitae Variant Classification Sherloc (09022015). Collection method: clinical testing. Allele origin: germline.

Laboratory for Molecular Medicine, Mass General Brigham Personalized Medicine
Classification: Likely benign. Last evaluated: 2019-01-16. Review status: criteria provided, single submitter. Criteria: LMM Criteria. Collection method: clinical testing. Allele origin: germline. Observed: 1 variant allele.
Comment: The p.Leu20Leu variant in CABP2 is classified as likely benign because it does n ot alter an amino acid residue, it is not located within the splice consensus se quence, and splice prediction algorithms do not predict a newly created splice s ite. ACMG/AMP Criteria applied: BP4, BP7.